The following is an entry in ClinVar:

ClinVar aggregate classification (germline): Likely benign. Review status: criteria provided, single submitter (1 of 4 stars). 2 submissions from 2 submitters: Likely benign (1). 1 of the submissions does not count toward it. Last evaluated 2024-11-15.

Conditions:
AFF4-related disorder. Also called: AFF4-related condition.
Cognitive impairment - coarse facies - heart defects - obesity - pulmonary involvement - short stature - skeletal dysplasia syndrome. Also called: Chops syndrome; COGNITIVE IMPAIRMENT, COARSE FACIES, HEART DEFECTS, OBESITY, PULMONARY INVOLVEMENT, SHORT STATURE, AND SKELETAL DYSPLASIA; AFF4-Related CHOPS Syndrome. Identifiers: Orphanet 444077, MedGen C4085597, MONDO:0014609, OMIM 616368.

Allele frequency attached by ClinVar (database versions not stated): TOPMed below 0.00001; ExAC 0.00001; gnomAD 0.00001.
gnomAD v4.1: 15 of 1,614,046 alleles (0.00093%); highest among the groups gnomAD compares: African/African-American, 0.0013%; no homozygotes.

Submissions (2):

Labcorp Genetics (formerly Invitae), Labcorp
Classification: Likely benign for Cognitive impairment - coarse facies - heart defects - obesity - pulmonary involvement - short stature - skeletal dysplasia syndrome. Last evaluated: 2024-11-15. Review status: criteria provided, single submitter. Criteria: Invitae Variant Classification Sherloc (09022015). Collection method: clinical testing. Allele origin: germline.

PreventionGenetics, part of Exact Sciences
Classification: Likely benign for AFF4-related condition. Last evaluated: 2022-09-15. Review status: no assertion criteria provided. Collection method: clinical testing. Allele origin: germline. Not counted in ClinVar's aggregate classification.
Comment: This variant is classified as likely benign based on ACMG/AMP sequence variant interpretation guidelines (Richards et al. 2015 PMID: 25741868, with internal and published modifications).

NM_014423.4(AFF4):c.1464C>T (p.Pro488=)

Gene: AFF4 (ALF transcription elongation factor 4; minus strand). Cytogenetic location: 5q31.1.
Variant type: single nucleotide variant.
Coding change: c.1464C>T on transcript NM_014423.4 (MANE Select); coding-DNA position 1464, C replaced by T.
Protein change: p.Pro488=; no amino-acid change (proline 488 retained).
Molecular consequence: synonymous variant.
Genome position (GRCh38, 1-based): chr5:132,897,166, G>A on the plus strand (C>T on the coding strand, the complement: AFF4 is on the minus strand). VCF-style: chr5-132897166-G-A. GRCh37 (hg19) VCF-style: chr5-132232858-G-A.
Identifiers: ClinVar variation 3036116 (VCV003036116.4), dbSNP rs758501043, ClinGen allele CA3409090.